The following is an entry in ClinVar:

NM_001008216.2(GALE):c.54G>A (p.Thr18=)

Gene: GALE (UDP-galactose-4-epimerase; minus strand). Cytogenetic location: 1p36.11.
Variant type: single nucleotide variant.
Coding change: c.54G>A on transcript NM_001008216.2 (MANE Select); coding-DNA position 54, G replaced by A.
Protein change: p.Thr18=; no amino-acid change (threonine 18 retained).
Molecular consequence: synonymous variant.
Genome position (GRCh38, 1-based): chr1:23,798,954, C>T on the plus strand (G>A on the coding strand, the complement: GALE is on the minus strand). VCF-style: chr1-23798954-C-T. GRCh37 (hg19) VCF-style: chr1-24125444-C-T.
Other names: c.54G>A, p.Thr18= (NM_000403.4, NM_001127621.2).
Identifiers: ClinVar variation 2672330 (VCV002672330.26), dbSNP rs187654497, ClinGen allele CA685819.

ClinVar aggregate classification (germline): Likely benign. Review status: criteria provided, multiple submitters, no conflicts (2 of 4 stars). 2 submissions from 2 submitters: Likely benign (2). Last evaluated 2026-01-27.

Conditions:
UDPglucose-4-epimerase deficiency. Also called: GALACTOSEMIA III; GALE DEFICIENCY; UDP-GALACTOSE-4-EPIMERASE DEFICIENCY; Galactose epimerase deficiency; UDPglucose 4-Epimerase Deficiency Disease; Epimerase Deficiency Galactosemia. Identifiers: Orphanet 352, Orphanet 79238, MedGen C0751161, MONDO:0009257, OMIM 230350.

Allele frequency attached by ClinVar (database versions not stated): ExAC 0.00002; gnomAD 0.00011; 1000 Genomes Project 0.00020; 1000 Genomes Project 30x 0.00031.
gnomAD v4.1: 33 of 1,614,144 alleles (0.002%); highest among the groups gnomAD compares: African/African-American, 0.031%; no homozygotes.

Submissions (2):

Labcorp Genetics (formerly Invitae), Labcorp
Classification: Likely benign for UDPglucose-4-epimerase deficiency. Last evaluated: 2026-01-27. Review status: criteria provided, single submitter. Criteria: Invitae Variant Classification Sherloc (09022015). Collection method: clinical testing. Allele origin: germline.

CeGaT Center for Human Genetics Tuebingen
Classification: Likely benign. Last evaluated: 2023-11-01. Review status: criteria provided, single submitter. Criteria: CeGaT Center For Human Genetics Tuebingen Variant Classification Criteria Version 2. Collection method: clinical testing. Allele origin: germline. Affected: yes. Observed: 1 variant allele.
Comment: GALE: BP4, BP7